The following is an entry in ClinVar:

ClinVar aggregate classification (germline): Uncertain significance. Review status: criteria provided, multiple submitters, no conflicts (2 of 4 stars). 3 submissions from 3 submitters: Uncertain significance (3). Last evaluated 2026-01-23.

Conditions:
Granulomatous disease, chronic, autosomal recessive, cytochrome b-positive, type 3. Also called: CGD, AUTOSOMAL RECESSIVE CYTOCHROME b-POSITIVE, TYPE III; GRANULOMATOUS DISEASE, CHRONIC, AUTOSOMAL RECESSIVE, 3; GRANULOMATOUS DISEASE, CHRONIC, DUE TO NCF4 DEFICIENCY; Granulomatous disease, chronic, autosomal recessive, cytochrome b-positive, type III. Identifiers: Orphanet 379, MedGen C3151409, MONDO:0013507, OMIM 613960.

Allele frequency attached by ClinVar (database versions not stated): gnomAD 0.00001; TOPMed 0.00002; gnomAD exomes below 0.00001.
gnomAD v4.1: 19 of 1,614,120 alleles (0.0012%); highest among the groups gnomAD compares: East Asian, 0.0022%; no homozygotes.

Submissions (3):

Women's Health and Genetics/Laboratory Corporation of America, LabCorp
Classification: Uncertain significance. Last evaluated: 2026-01-23. Review status: criteria provided, single submitter. Criteria: LabCorp Variant Classification Summary - May 2015. Collection method: clinical testing. Allele origin: germline.

Labcorp Genetics (formerly Invitae), Labcorp
Classification: Uncertain significance for Granulomatous disease, chronic, autosomal recessive, cytochrome b-positive, type 3. Last evaluated: 2022-10-04. Review status: criteria provided, single submitter. Criteria: Invitae Variant Classification Sherloc (09022015). Collection method: clinical testing. Allele origin: germline.
Comment: In summary, the available evidence is currently insufficient to determine the role of this variant in disease. Therefore, it has been classified as a Variant of Uncertain Significance. Algorithms developed to predict the effect of missense changes on protein structure and function are either unavailable or do not agree on the potential impact of this missense change (SIFT: "Tolerated"; PolyPhen-2: "Possibly Damaging"; Align-GVGD: "Class C0"). ClinVar contains an entry for this variant (Variation ID: 854352). This variant has not been reported in the literature in individuals affected with NCF4-related conditions. This variant is not present in population databases (gnomAD no frequency). This sequence change replaces leucine, which is neutral and non-polar, with phenylalanine, which is neutral and non-polar, at codon 274 of the NCF4 protein (p.Leu274Phe).

Fulgent Genetics
Classification: Uncertain significance for Granulomatous disease, chronic, autosomal recessive, cytochrome b-positive, type 3. Last evaluated: 2021-08-02. Review status: criteria provided, single submitter. Criteria: ACMG Guidelines, 2015. Collection method: clinical testing. Allele origin: unknown.

NM_000631.5(NCF4):c.758+62C>T

Gene: NCF4 (neutrophil cytosolic factor 4; plus strand). Cytogenetic location: 22q12.3.
Variant type: single nucleotide variant.
Coding change: c.758+62C>T on transcript NM_000631.5 (MANE Select); 62 bases into the intron after coding-DNA position 758, C replaced by T.
Molecular consequence: intron variant. On other transcripts: missense variant (1).
Genome position (GRCh38, 1-based): chr22:36,875,845, C>T. VCF-style: chr22-36875845-C-T. GRCh37 (hg19) VCF-style: chr22-37271887-C-T.
Other names: c.820C>T, p.Leu274Phe (NM_013416.4); short protein forms L274F.
Identifiers: ClinVar variation 854352 (VCV000854352.8), dbSNP rs944647165, ClinGen allele CA323996756.